The following is an entry in ClinVar:

ClinVar aggregate classification (germline): Uncertain significance. Review status: criteria provided, multiple submitters, no conflicts (2 of 4 stars). 2 submissions from 2 submitters: Uncertain significance (2). Last evaluated 2025-11-23.

Conditions:
Inborn genetic diseases. Identifiers: MedGen C0950123, MeSH D030342.
Fanconi anemia (FA). Also called: Fanconi's anemia. Identifiers: Orphanet 84, MedGen C0015625, MeSH D005199, MONDO:0019391.

Submissions (2):

Labcorp Genetics (formerly Invitae), Labcorp
Classification: Uncertain significance for Fanconi anemia. Last evaluated: 2025-11-23. Review status: criteria provided, single submitter. Criteria: Invitae Variant Classification Sherloc (09022015). Collection method: clinical testing. Allele origin: germline.
Comment: This sequence change replaces histidine, which is basic and polar, with tyrosine, which is neutral and polar, at codon 227 of the FANCA protein (p.His227Tyr). This variant is not present in population databases (gnomAD no frequency). This variant has not been reported in the literature in individuals affected with FANCA-related conditions. ClinVar contains an entry for this variant (Variation ID: 2886658). Invitae Evidence Modeling of protein sequence and biophysical properties (such as structural, functional, and spatial information, amino acid conservation, physicochemical variation, residue mobility, and thermodynamic stability) indicates that this missense variant is not expected to disrupt FANCA protein function with a negative predictive value of 95%. In summary, the available evidence is currently insufficient to determine the role of this variant in disease. Therefore, it has been classified as a Variant of Uncertain Significance.

Ambry Genetics
Classification: Uncertain significance for Inborn genetic diseases. Last evaluated: 2025-11-16. Review status: criteria provided, single submitter. Criteria: Ambry Variant Classification Scheme 2023. Collection method: clinical testing. Allele origin: germline.
Comment: The p.H227Y variant (also known as c.679C>T), located in coding exon 7 of the FANCA gene, results from a C to T substitution at nucleotide position 679. The histidine at codon 227 is replaced by tyrosine, an amino acid with similar properties. This amino acid position is conserved. In addition, this alteration is predicted to be tolerated by in silico analysis. Based on the available evidence, the clinical significance of this variant remains unclear.

NM_000135.4(FANCA):c.679C>T (p.His227Tyr)

Gene: FANCA (FA complementation group A; minus strand). Cytogenetic location: 16q24.3.
Variant type: single nucleotide variant.
Coding change: c.679C>T on transcript NM_000135.4 (MANE Select); coding-DNA position 679, C replaced by T.
Protein change: p.His227Tyr; replaces histidine 227 with tyrosine.
Molecular consequence: missense variant.
Genome position (GRCh38, 1-based): chr16:89,805,310, G>A on the plus strand (C>T on the coding strand, the complement: FANCA is on the minus strand). VCF-style: chr16-89805310-G-A. GRCh37 (hg19) VCF-style: chr16-89871718-G-A.
Other names: c.679C>T, p.His227Tyr (NM_001018112.3, NM_001286167.3); c.583C>T, p.His195Tyr (NM_001351830.2); short protein forms H195Y, H227Y.
Identifiers: ClinVar variation 2886658 (VCV002886658.4), dbSNP rs142580507, ClinGen allele CA397477829.
Genomic context (GRCh38, chr16:89,805,310, plus strand): 5'-CCAAGAACCCGCATCTTGTCATGAACGCACCAGAAAGCATGGCCCTGGCGACGTCAGCAT[G>A]CTGGCAGGATGCTTCCATCTGTTCACAAAGGCAGCACAGATTCCTGAAGAGCCACGATCC-3'
Protein context (NP_000126.2, residues 217-237): LCEQMEASCQ[His227Tyr]ADVARAMLSD